The following is an entry in ClinVar:

ClinVar aggregate classification (germline): Uncertain significance (1 of 4 stars; one submission).

Conditions:
Inborn genetic diseases. Identifiers: MedGen C0950123, MeSH D030342.

Submission:

Ambry Genetics
Classification: Uncertain significance for Inborn genetic diseases. Last evaluated: 2025-06-01. Review status: criteria provided, single submitter. Criteria: Ambry Variant Classification Scheme 2023. Collection method: clinical testing. Allele origin: germline.
Comment: The p.E122K variant (also known as c.364G>A), located in coding exon 4 of the DDX41 gene, results from a G to A substitution at nucleotide position 364. The glutamic acid at codon 122 is replaced by lysine, an amino acid with similar properties. This amino acid position is conserved. In addition, the in silico prediction for this alteration is inconclusive. Based on the available evidence, the clinical significance of this variant remains unclear.

NM_016222.4(DDX41):c.364G>A (p.Glu122Lys)

Gene: DDX41 (DEAD-box helicase 41; minus strand). Cytogenetic location: 5q35.3.
Variant type: single nucleotide variant.
Coding change: c.364G>A on transcript NM_016222.4 (MANE Select); coding-DNA position 364, G replaced by A.
Protein change: p.Glu122Lys; replaces glutamic acid 122 with lysine.
Molecular consequence: missense variant. On other transcripts: 5 prime UTR variant (2).
Genome position (GRCh38, 1-based): chr5:177,516,128, C>T on the plus strand (G>A on the coding strand, the complement: DDX41 is on the minus strand). VCF-style: chr5-177516128-C-T. GRCh37 (hg19) VCF-style: chr5-176943129-C-T.
Other names: c.-15G>A (NM_001321732.2, NM_001321830.2); short protein forms E122K.
Identifiers: ClinVar variation 4010375 (VCV004010375.1).
Genomic context (GRCh38, chr5:177,516,128, plus strand): 5'-TGGGAGGAGAAGACTCAGTCCACCTTCTCACTATCCTGGCTACAACCATACCTCGGCCCT[C>T]GGCAACACTCTCCAGGATCTTCTCTTCTTCCTTCAGCTGCTTCTCCTTGGCAGACTCTTT-3'
Protein context (NP_057306.2, residues 112-132): EEEKILESVA[Glu122Lys]GRALMSVKEM